The following is an entry in ClinVar:

NM_152424.4(AMER1):c.1817G>A (p.Arg606Lys)

Gene: AMER1 (APC membrane recruitment protein 1; minus strand). Cytogenetic location: Xq11.2.
Variant type: single nucleotide variant.
Coding change: c.1817G>A on transcript NM_152424.4 (MANE Select); coding-DNA position 1817, G replaced by A.
Protein change: p.Arg606Lys; replaces arginine 606 with lysine.
Molecular consequence: missense variant.
Genome position (GRCh38, 1-based): chrX:64,191,470, C>T on the plus strand (G>A on the coding strand, the complement: AMER1 is on the minus strand). VCF-style: chrX-64191470-C-T. GRCh37 (hg19) VCF-style: chrX-63411350-C-T.
Other names: short protein forms R606K.
Identifiers: ClinVar variation 3292480 (VCV003292480.3).

ClinVar aggregate classification (germline): Uncertain significance. Review status: criteria provided, multiple submitters, no conflicts (2 of 4 stars). 2 submissions from 2 submitters: Uncertain significance (2). Last evaluated 2025-04-10.

Conditions:
Inborn genetic diseases. Identifiers: MedGen C0950123, MeSH D030342.

gnomAD v4.1: 2 of 1,210,766 alleles (0.00017%); highest among the groups gnomAD compares: Admixed American, 0.0044%; no homozygotes.

Submissions (2):

Labcorp Genetics (formerly Invitae), Labcorp
Classification: Uncertain significance. Last evaluated: 2025-04-10. Review status: criteria provided, single submitter. Criteria: Invitae Variant Classification Sherloc (09022015). Collection method: clinical testing. Allele origin: germline.
Comment: This sequence change replaces arginine, which is basic and polar, with lysine, which is basic and polar, at codon 606 of the AMER1 protein (p.Arg606Lys). This variant is present in population databases (no rsID available, gnomAD 0.004%). This variant has not been reported in the literature in individuals affected with AMER1-related conditions. ClinVar contains an entry for this variant (Variation ID: 3292480). An algorithm developed to predict the effect of missense changes on protein structure and function outputs the following: PolyPhen-2: "Benign". The lysine amino acid residue is found in multiple mammalian species, which suggests that this missense change does not adversely affect protein function. In summary, the available evidence is currently insufficient to determine the role of this variant in disease. Therefore, it has been classified as a Variant of Uncertain Significance.

Ambry Genetics
Classification: Uncertain significance for Inborn genetic diseases. Last evaluated: 2024-05-15. Review status: criteria provided, single submitter. Criteria: Ambry Variant Classification Scheme 2023. Collection method: clinical testing. Allele origin: germline.